The following is an entry in ClinVar:

NM_000388.4(CASR):c.1001T>C (p.Leu334Pro)

Gene: CASR (calcium sensing receptor; plus strand). Cytogenetic location: 3q21.1.
Variant type: single nucleotide variant.
Coding change: c.1001T>C on transcript NM_000388.4 (MANE Select); coding-DNA position 1001, T replaced by C.
Protein change: p.Leu334Pro; replaces leucine 334 with proline.
Molecular consequence: missense variant.
Genome position (GRCh38, 1-based): chr3:122,262,036, T>C. VCF-style: chr3-122262036-T-C. GRCh37 (hg19) VCF-style: chr3-121980883-T-C.
Other names: c.1001T>C, p.Leu334Pro (NM_001178065.2); short protein forms L334P.
Identifiers: ClinVar variation 4791123 (VCV004791123.1).

ClinVar aggregate classification (germline): Uncertain significance (1 of 4 stars; one submission).

Conditions:
Autosomal dominant hypocalcemia 1 (HYPOC1). Also called: HYPOCALCEMIA, FAMILIAL. Identifiers: MedGen C3715128, MONDO:0011013, OMIM 601198.
Familial hypocalciuric hypercalcemia (FHH). Also called: Familial benign hypercalcemia. Identifiers: Orphanet 405, MedGen C1809471, MONDO:0018458.

Submission:

Labcorp Genetics (formerly Invitae), Labcorp
Classification: Uncertain significance for Familial hypocalciuric hypercalcemia; Autosomal dominant hypocalcemia 1. Last evaluated: 2025-05-04. Review status: criteria provided, single submitter. Criteria: Invitae Variant Classification Sherloc (09022015). Collection method: clinical testing. Allele origin: germline.
Comment: This sequence change replaces leucine, which is neutral and non-polar, with proline, which is neutral and non-polar, at codon 334 of the CASR protein (p.Leu334Pro). This variant is not present in population databases (gnomAD no frequency). This variant has not been reported in the literature in individuals affected with CASR-related conditions. An algorithm developed to predict the effect of missense changes on protein structure and function (PolyPhen-2) suggests that this variant is likely to be disruptive. In summary, the available evidence is currently insufficient to determine the role of this variant in disease. Therefore, it has been classified as a Variant of Uncertain Significance.